The following is an entry in ClinVar:

ClinVar aggregate classification (germline): Uncertain significance (3 of 4 stars; one submission).

Conditions:
Monogenic diabetes. Identifiers: Orphanet 183625, MedGen C3888631, MONDO:0015967.

Submission:

ClinGen Monogenic Diabetes Variant Curation Expert Panel
Classification: Uncertain significance for Monogenic diabetes. Last evaluated: 2023-07-30. Review status: reviewed by expert panel. Criteria: ClinGen Diabetes ACMG Specifications HNF1A V2.0.0. Collection method: curation. Allele origin: germline. Inheritance: Autosomal dominant inheritance.
Comment: The c.1295C>T variant in the HNF1 homeobox A] gene, HNF1A, causes an amino acid change of serine to phenylalanine at codon 432 (p.(Ser432Phe)) of NM_000545.8. This variant is predicted to be deleterious by computational evidence, with a REVEL score of 0.892, which is greater than the MDEP VCEP threshold of 0.70 (PP3). This variant is absent in gnomAD v2.1.1 (PM2_Supporting). This variant was identified in two unrelated individuals with non-autoimmune and non-absolute/near-absolute insulin-deficient diabetes; however, PS4_Moderate cannot be applied because this number is below the ClinGen MDEP threshold (internal lab contributors). Two other missense variants, c.1295C>G p.Ser432Cys and c.1295C>A p.Ser432Ter, have been classified as VUS by the ClinGen MDEP; therefore, PM5 will not be applied. This variant segregated with diabetes with two informative meioses in a single family; however, this does not meet the thresholds for PP1 set by the ClinGen MDEP (PMID: 27236918, internal lab contributor). In summary, c.1295C>T meets the criteria to be classified as a variant of uncertain significance for monogenic diabetes. ACMG/AMP criteria applied, as specified by the ClinGen MDEP (specification version 2.0.0, approved 1/11/2023): PP3, PP4, PM2_Supporting.

NM_000545.8(HNF1A):c.1295C>T (p.Ser432Phe)

Gene: HNF1A (HNF1 homeobox A; plus strand). Cytogenetic location: 12q24.31.
Variant type: single nucleotide variant.
Coding change: c.1295C>T on transcript NM_000545.8 (MANE Select); coding-DNA position 1295, C replaced by T.
Protein change: p.Ser432Phe; replaces serine 432 with phenylalanine.
Molecular consequence: missense variant.
Genome position (GRCh38, 1-based): chr12:120,996,728, C>T. VCF-style: chr12-120996728-C-T. GRCh37 (hg19) VCF-style: chr12-121434531-C-T.
Other names: NM_001306179.2:c.1295C>T; c.1295C>T, p.Ser432Phe (NM_001306179.2, NM_001406915.1); short protein forms S432F.
Identifiers: ClinVar variation 2574166 (VCV002574166.1), dbSNP rs1224145094, ClinGen allele CA386969831.